The following is an entry in ClinVar:

ClinVar aggregate classification (germline): Uncertain significance. Review status: criteria provided, multiple submitters, no conflicts (2 of 4 stars). 2 submissions from 2 submitters: Uncertain significance (2). Last evaluated 2025-12-20.

Conditions:
Arrhythmogenic right ventricular dysplasia 5. Also called: ARRHYTHMOGENIC RIGHT VENTRICULAR DYSPLASIA, FAMILIAL, 5; Arrhythmogenic Right Ventricular Dysplasia/Cardiomyopathy 5. Identifiers: MedGen C1858379, MONDO:0011459, OMIM 604400.

gnomAD v4.1: 2 of 1,613,742 alleles (0.00012%); highest among the groups gnomAD compares: Admixed American, 0.0017%; no homozygotes.

Submissions (2):

Labcorp Genetics (formerly Invitae), Labcorp
Classification: Uncertain significance for Arrhythmogenic right ventricular dysplasia 5. Last evaluated: 2025-12-20. Review status: criteria provided, single submitter. Criteria: Invitae Variant Classification Sherloc (09022015). Collection method: clinical testing. Allele origin: germline.
Comment: This sequence change replaces aspartic acid, which is acidic and polar, with tyrosine, which is neutral and polar, at codon 162 of the TMEM43 protein (p.Asp162Tyr). This variant is present in population databases (rs150425166, gnomAD 0.007%). This variant has not been reported in the literature in individuals affected with TMEM43-related conditions. ClinVar contains an entry for this variant (Variation ID: 3074043). Invitae Evidence Modeling of protein sequence and biophysical properties (such as structural, functional, and spatial information, amino acid conservation, physicochemical variation, residue mobility, and thermodynamic stability) indicates that this missense variant is not expected to disrupt TMEM43 protein function with a negative predictive value of 80%. In summary, the available evidence is currently insufficient to determine the role of this variant in disease. Therefore, it has been classified as a Variant of Uncertain Significance.

All of Us Research Program, National Institutes of Health
Classification: Uncertain significance for Arrhythmogenic right ventricular dysplasia 5. Last evaluated: 2023-12-01. Review status: criteria provided, single submitter. Criteria: ACMG Guidelines, 2015. Collection method: clinical testing. Allele origin: germline. Inheritance: Autosomal dominant inheritance. Observed: 1 variant allele, 1 heterozygote.
Comment: This study involves interpretation of variants in research participants for the purpose of population health screening. Participant phenotype was not available at the time of variant classification. Additional details can be found in publication PMID: 35346344, PMCID: PMC8962531

NM_024334.3(TMEM43):c.484G>T (p.Asp162Tyr)

Gene: TMEM43 (transmembrane protein 43; plus strand). Cytogenetic location: 3p25.1.
Variant type: single nucleotide variant.
Coding change: c.484G>T on transcript NM_024334.3 (MANE Select); coding-DNA position 484, G replaced by T.
Protein change: p.Asp162Tyr; replaces aspartic acid 162 with tyrosine.
Molecular consequence: missense variant.
Genome position (GRCh38, 1-based): chr3:14,132,907, G>T. VCF-style: chr3-14132907-G-T. GRCh37 (hg19) VCF-style: chr3-14174407-G-T.
Other names: c.487G>T, p.Asp163Tyr (NM_001407274.1); c.484G>T, p.Asp162Tyr (NM_001407275.1, NM_001407276.1, NM_001407277.1 and 1 more transcripts); c.469G>T, p.Asp157Tyr (NM_001407278.1); c.334G>T, p.Asp112Tyr (NM_001407280.1); short protein forms D112Y, D157Y, D162Y, D163Y.
Identifiers: ClinVar variation 3074043 (VCV003074043.3), dbSNP rs150425166, ClinGen allele CA053939.